The following is an entry in ClinVar:

ClinVar aggregate classification (germline): Conflicting classifications of pathogenicity. Review status: criteria provided, conflicting classifications (1 of 4 stars). 4 submissions from 4 submitters: Uncertain significance (2); Likely benign (2). Last evaluated 2026-02-01.

Conditions:
Sucrase-isomaltase deficiency (CSID). Also called: SI DEFICIENCY; Congenital sucrose isomaltose malabsorption; Sucrose isomaltose enzyme deficiency; Deficiency of isomaltase. Identifiers: Orphanet 35122, MedGen C1283620, MONDO:0009114, OMIM 222900.

Allele frequency attached by ClinVar (database versions not stated): 1000 Genomes Project 0.00060; 1000 Genomes Project 30x 0.00078; ExAC 0.00139; gnomAD exomes 0.00142 and 0.00265; gnomAD 0.00156 and 0.00165; TOPMed 0.00173; ESP Exome Variant Server 0.00277.
gnomAD v4.1: 4,110 of 1,612,066 alleles (0.25%); highest among the groups gnomAD compares: Non-Finnish European, 0.32%; 5 homozygotes.

Submissions (4):

Labcorp Genetics (formerly Invitae), Labcorp
Classification: Likely benign. Last evaluated: 2026-02-01. Review status: criteria provided, single submitter. Criteria: Invitae Variant Classification Sherloc (09022015). Collection method: clinical testing. Allele origin: germline.

Blueprint Genetics
Classification: Likely benign. Last evaluated: 2024-11-26. Review status: criteria provided, single submitter. Criteria: ACMG Guidelines, 2015. Collection method: clinical testing. Allele origin: germline.

Greenwood Genetic Center Diagnostic Laboratories, Greenwood Genetic Center
Classification: Uncertain significance. Last evaluated: 2023-12-29. Review status: criteria provided, single submitter. Criteria: ACMG Guidelines, 2015. Collection method: clinical testing. Allele origin: germline. Affected: yes.
Comment: PS3_Moderate, PM3_Supporting, BS1, PP3

Illumina Laboratory Services, Illumina
Classification: Uncertain significance for Sucrase-isomaltase deficiency. Last evaluated: 2017-04-27. Review status: criteria provided, single submitter. Criteria: ICSL Variant Classification Criteria 13 December 2019. Collection method: clinical testing. Allele origin: germline.

NM_001041.4(SI):c.1111G>A (p.Val371Met)

Gene: SI (sucrase-isomaltase; minus strand). Cytogenetic location: 3q26.1.
Variant type: single nucleotide variant.
Coding change: c.1111G>A on transcript NM_001041.4 (MANE Select); coding-DNA position 1111, G replaced by A.
Protein change: p.Val371Met; replaces valine 371 with methionine.
Molecular consequence: missense variant.
Genome position (GRCh38, 1-based): chr3:165,059,937, C>T on the plus strand (G>A on the coding strand, the complement: SI is on the minus strand). VCF-style: chr3-165059937-C-T. GRCh37 (hg19) VCF-style: chr3-164777725-C-T.
Other names: short protein forms V371M.
Identifiers: ClinVar variation 713782 (VCV000713782.16), dbSNP rs138434001, ClinGen allele CA2691191.